The following is an entry in ClinVar:

NM_001080449.3(DNA2):c.2305C>G (p.Gln769Glu)

Gene: DNA2 (DNA replication helicase/nuclease 2; minus strand). Cytogenetic location: 10q21.3.
Variant type: single nucleotide variant.
Coding change: c.2305C>G on transcript NM_001080449.3 (MANE Select); coding-DNA position 2305, C replaced by G.
Protein change: p.Gln769Glu; replaces glutamine 769 with glutamic acid.
Molecular consequence: missense variant. On other transcripts: non-coding transcript variant (1).
Genome position (GRCh38, 1-based): chr10:68,422,794, G>C on the plus strand (C>G on the coding strand, the complement: DNA2 is on the minus strand). VCF-style: chr10-68422794-G-C. GRCh37 (hg19) VCF-style: chr10-70182551-G-C.
Other names: c.2305C>G (NM_001080449.2); short protein forms Q769E.
Identifiers: ClinVar variation 2981553 (VCV002981553.4), dbSNP rs1383702144, ClinGen allele CA376849090.
Genomic context (GRCh38, chr10:68,422,794, plus strand): 5'-GATGGTCCCCCACTAACACAAATCTCCGTGAAAAAAAAAGGGGGCCCAGACAAATTGGTT[G>C]GCTAATTTGAGAGGCTTCATCCACAATACAAAAATCAAAAATTTTACGGGAAAATATTGG-3'
Protein context (NP_001073918.2, residues 759-779): CIVDEASQIS[Gln769Glu]PICLGPLFFS

ClinVar aggregate classification (germline): Uncertain significance. Review status: criteria provided, multiple submitters, no conflicts (2 of 4 stars). 2 submissions from 2 submitters: Uncertain significance (2). Last evaluated 2025-12-05.

Conditions:
Inborn genetic diseases. Identifiers: MedGen C0950123, MeSH D030342.

Allele frequency attached by ClinVar (database versions not stated): gnomAD exomes below 0.00001; TOPMed 0.00001; gnomAD 0.00001.
gnomAD v4.1: 4 of 1,611,272 alleles (0.00025%); highest among the groups gnomAD compares: African/African-American, 0.0054%; no homozygotes.

Submissions (2):

Labcorp Genetics (formerly Invitae), Labcorp
Classification: Uncertain significance. Last evaluated: 2025-12-05. Review status: criteria provided, single submitter. Criteria: Invitae Variant Classification Sherloc (09022015). Collection method: clinical testing. Allele origin: germline.
Comment: This sequence change replaces glutamine, which is neutral and polar, with glutamic acid, which is acidic and polar, at codon 769 of the DNA2 protein (p.Gln769Glu). This variant is not present in population databases (gnomAD no frequency). This variant has not been reported in the literature in individuals affected with DNA2-related conditions. ClinVar contains an entry for this variant (Variation ID: 2981553). Invitae Evidence Modeling of protein sequence and biophysical properties (such as structural, functional, and spatial information, amino acid conservation, physicochemical variation, residue mobility, and thermodynamic stability) indicates that this missense variant is expected to disrupt DNA2 protein function with a positive predictive value of 80%. In summary, the available evidence is currently insufficient to determine the role of this variant in disease. Therefore, it has been classified as a Variant of Uncertain Significance.

Ambry Genetics
Classification: Uncertain significance for Inborn genetic diseases. Last evaluated: 2025-01-18. Review status: criteria provided, single submitter. Criteria: Ambry Variant Classification Scheme 2023. Collection method: clinical testing. Allele origin: germline.